The following is an entry in ClinVar:

ClinVar aggregate classification (germline): Uncertain significance (1 of 4 stars; one submission).

Allele frequency attached by ClinVar (database versions not stated): gnomAD exomes below 0.00001.
gnomAD v4.1: 1 of 1,614,196 alleles (0.000062%); highest among the groups gnomAD compares: Non-Finnish European, 0.000085%; no homozygotes.

Submission:

Labcorp Genetics (formerly Invitae), Labcorp
Classification: Uncertain significance. Last evaluated: 2021-10-15. Review status: criteria provided, single submitter. Criteria: Invitae Variant Classification Sherloc (09022015). Collection method: clinical testing. Allele origin: germline.
Comment: This sequence change replaces isoleucine with valine at codon 718 of the EFL1 protein (p.Ile718Val). The isoleucine residue is moderately conserved and there is a small physicochemical difference between isoleucine and valine. In summary, the available evidence is currently insufficient to determine the role of this variant in disease. Therefore, it has been classified as a Variant of Uncertain Significance. Algorithms developed to predict the effect of missense changes on protein structure and function are either unavailable or do not agree on the potential impact of this missense change (SIFT: "Tolerated"; PolyPhen-2: "Benign"; Align-GVGD: "Class C0"). This variant has not been reported in the literature in individuals affected with EFL1-related conditions. This variant is not present in population databases (ExAC no frequency).

NM_024580.6(EFL1):c.2152A>G (p.Ile718Val)

Gene: EFL1 (elongation factor like GTPase 1; minus strand). Cytogenetic location: 15q25.2.
Variant type: single nucleotide variant.
Coding change: c.2152A>G on transcript NM_024580.6 (MANE Select); coding-DNA position 2152, A replaced by G.
Protein change: p.Ile718Val; replaces isoleucine 718 with valine.
Molecular consequence: missense variant. On other transcripts: non-coding transcript variant (1).
Genome position (GRCh38, 1-based): chr15:82,152,302, T>C on the plus strand (A>G on the coding strand, the complement: EFL1 is on the minus strand). VCF-style: chr15-82152302-T-C. GRCh37 (hg19) VCF-style: chr15-82444643-T-C.
Other names: c.1999A>G, p.Ile667Val (NM_001040610.3); c.1363A>G, p.Ile455Val (NM_001322844.2); c.2152A>G, p.Ile718Val (NM_001322845.2); short protein forms I718V, I455V, I667V.
Identifiers: ClinVar variation 1381573 (VCV001381573.6), dbSNP rs2073921217, ClinGen allele CA393288914.